The following is an entry in ClinVar:

NM_001042492.3(NF1):c.6512del (p.Lys2171fs)

Gene: NF1 (neurofibromin 1; plus strand). Cytogenetic location: 17q11.2.
Variant type: Deletion.
Coding change: c.6512del on transcript NM_001042492.3 (MANE Select); coding-DNA position 6512, one base deleted (A; older notation c.6512delA).
Protein change: p.Lys2171fs; shifts the reading frame from lysine 2171.
Molecular consequence: frameshift variant.
Genome position (GRCh38, 1-based): chr17:31,337,452, A deleted; the last of 2 consecutive A bases (chr17:31,337,451-31,337,452); deleting either gives the same sequence. VCF-style (leftmost placement, unchanged base first): chr17-31337450-CA-C. GRCh37 (hg19) VCF-style: chr17-29664468-CA-C.
Other names: c.6449delA, p.Lys2150Serfs (NM_000267.4); short protein forms K2150fs, K2171fs.
Identifiers: ClinVar variation 1074498 (VCV001074498.5), dbSNP rs2151556220, ClinGen allele CA2499224192.

ClinVar aggregate classification (germline): Pathogenic (1 of 4 stars; one submission).

Conditions:
Neurofibromatosis, type 1 (NF1). Also called: VON RECKLINGHAUSEN DISEASE; Peripheral type neurofibromatosis; NEUROFIBROMATOSIS, TYPE I, SOMATIC; Neurofibromatosis, type I. Identifiers: Orphanet 636, MedGen C0027831, MONDO:0018975, OMIM 162200. Disease mechanism: loss of function.

Submission:

Labcorp Genetics (formerly Invitae), Labcorp
Classification: Pathogenic for Neurofibromatosis, type 1. Last evaluated: 2020-01-23. Review status: criteria provided, single submitter. Criteria: Invitae Variant Classification Sherloc (09022015). Collection method: clinical testing. Allele origin: germline.
Comment: For these reasons, this variant has been classified as Pathogenic. Loss-of-function variants in NF1 are known to be pathogenic (PMID: 10712197, 23913538). This variant has not been reported in the literature in individuals with NF1-related conditions. This variant is not present in population databases (ExAC no frequency). This sequence change creates a premature translational stop signal (p.Lys2150Serfs*29) in the NF1 gene. It is expected to result in an absent or disrupted protein product.

Literature cited by the submitters: PubMed 10712197; PubMed 23913538.